The following is an entry in ClinVar:

ClinVar aggregate classification (germline): Pathogenic. Review status: reviewed by expert panel (3 of 4 stars). 7 submissions from 7 submitters: Pathogenic (1). 6 of the submissions do not count toward it. Last evaluated 2013-09-05.

Conditions:
Hereditary nonpolyposis colon cancer (HNPCC). Also called: Hereditary nonpolyposis colorectal cancer; Familial nonpolyposis colon cancer; Hereditary Nonpolyposis Colorectal Cancer Syndrome. Identifiers: Orphanet 443909, MedGen C1333990, MONDO:0018630. Disease mechanism: loss of function.
Lynch syndrome. Identifiers: Orphanet 144, MedGen C4552100, MONDO:0005835. Disease mechanism: loss of function.
Hereditary cancer-predisposing syndrome. Also called: Tumor predisposition; Hereditary Cancer Syndrome; Hereditary neoplastic syndrome; Neoplastic Syndromes, Hereditary. Identifiers: Orphanet 140162, MedGen C0027672, MeSH D009386, MONDO:0015356.
Hereditary nonpolyposis colorectal neoplasms. Identifiers: MedGen C0009405, MeSH D003123.
Lynch syndrome 5 (LYNCH5). Also called: Colorectal cancer, hereditary nonpolyposis, type 5; Hereditary non-polyposis colorectal cancer, type 5. Identifiers: Orphanet 144, MedGen C1833477, MONDO:0013710, OMIM 614350. Disease mechanism: loss of function.
Endometrial carcinoma. Also called: Endometrial carcinoma, somatic. Identifiers: MedGen C0476089, MONDO:0002447, OMIM 608089, HP:0012114.

Submissions (7):

International Society for Gastrointestinal Hereditary Tumours (InSiGHT)
Classification: Pathogenic for Lynch Syndrome. Last evaluated: 2013-09-05. Review status: reviewed by expert panel. Criteria: Guidelines v1.9. Collection method: research. Allele origin: germline.
Comment: Coding sequence variation resulting in a stop codon

Classified with v1.9 guidelines

Molecular Pathology, Peter Maccallum Cancer Centre
Classification: Pathogenic for Lynch syndrome 5. Last evaluated: 2025-01-06. Review status: criteria provided, single submitter. Criteria: ACMG Guidelines, 2015. Collection method: clinical testing. Allele origin: germline. Inheritance: Autosomal dominant inheritance. Not counted in ClinVar's aggregate classification.

Women's Health and Genetics/Laboratory Corporation of America, LabCorp
Classification: Pathogenic for Hereditary nonpolyposis colon cancer. Last evaluated: 2023-11-27. Review status: criteria provided, single submitter. Criteria: LabCorp Variant Classification Summary - May 2015. Collection method: clinical testing. Allele origin: germline. Not counted in ClinVar's aggregate classification.
Comment: Variant summary: MSH6 c.1139_1143delATGAG (p.Asp380AlafsX6) results in a premature termination codon, predicted to cause a truncation of the encoded protein or absence of the protein due to nonsense mediated decay, which are commonly known mechanisms for disease. The variant was absent in 250970 control chromosomes. c.1139_1143delATGAG has been reported in the literature in individuals affected with Lynch Syndrome (e.g. Jori_2015). To our knowledge, no experimental evidence demonstrating an impact on protein function has been reported. The following publication have been ascertained in the context of this evaluation (PMID: 26517685). Two submitters have cited clinical-significance assessments for this variant to ClinVar after 2014. All submitters classified the variant as pathogenic. Based on the evidence outlined above, the variant was classified as pathogenic.

Labcorp Genetics (formerly Invitae), Labcorp
Classification: Pathogenic for Hereditary nonpolyposis colorectal neoplasms. Last evaluated: 2023-08-27. Review status: criteria provided, single submitter. Criteria: Invitae Variant Classification Sherloc (09022015). Collection method: clinical testing. Allele origin: germline. Not counted in ClinVar's aggregate classification.
Comment: For these reasons, this variant has been classified as Pathogenic. ClinVar contains an entry for this variant (Variation ID: 89175). This premature translational stop signal has been observed in individual(s) with Lynch syndrome (PMID: 22495361, 26517685). This variant is not present in population databases (gnomAD no frequency). This sequence change creates a premature translational stop signal (p.Asp380Alafs*6) in the MSH6 gene. It is expected to result in an absent or disrupted protein product. Loss-of-function variants in MSH6 are known to be pathogenic (PMID: 18269114, 24362816).

Myriad Genetics, Inc.
Classification: Pathogenic for Lynch syndrome 5. Last evaluated: 2023-08-11. Review status: criteria provided, single submitter. Criteria: Myriad Autosomal Dominant, Autosomal Recessive and X-Linked Classification Criteria (2023). Collection method: clinical testing. Allele origin: unknown. Not counted in ClinVar's aggregate classification.
Comment: This variant is considered pathogenic. This variant creates a frameshift predicted to result in premature protein truncation.

Ambry Genetics
Classification: Pathogenic for Hereditary cancer-predisposing syndrome. Last evaluated: 2023-04-27. Review status: criteria provided, single submitter. Criteria: Ambry Variant Classification Scheme 2023. Collection method: clinical testing. Allele origin: germline. Not counted in ClinVar's aggregate classification.
Comment: The c.1139_1143delATGAG pathogenic mutation, located in coding exon 4 of the MSH6 gene, results from a deletion of 5 nucleotides at nucleotide positions 1139 to 1143, causing a translational frameshift with a predicted alternate stop codon (p.D380Afs*6). This mutation has been detected in multiple Lynch syndrome patients with colon or endometrial cancer (Okkels H et al. Appl Immunohistochem Mol Morphol. 2012 Oct;20(5):470-7; Jori B et al. Oncotarget. 2015 Dec 1;6(38):41108-22). In addition to the clinical data presented in the literature, this alteration is expected to result in loss of function by premature protein truncation or nonsense-mediated mRNA decay. As such, this alteration is interpreted as a disease-causing mutation.

Department of Pathology and Laboratory Medicine, Sinai Health System
Classification: Pathogenic for Endometrial carcinoma. Review status: no assertion criteria provided. Collection method: clinical testing. Allele origin: unknown. Affected: yes. Study: The Canadian Open Genetics Repository (COGR). Not counted in ClinVar's aggregate classification.
Comment: The MSH6 p.Asp380AlafsX6 variant was identified in 1 of 1630 proband chromosomes (frequency: 0.0006) from Dutch individuals or families with HNPCC (Okkels 2012). The variant was also identified in the following databases: dbSNP (ID: rs587779206) â€šÃ„ÃºWith Pathogenic alleleâ€šÃ„Ã¹, ClinVar (pathogenic, reviewed by expert panel (2013)), Clinvitae (1x), Insight Colon Cancer Gene Variant Database (1x as class 5), Insight Hereditary Tumors Database (7x). It was not identified in the following databases: Cosmic, UMD-LSDB, Zhejiang Colon Cancer Database, Mismatch Repair Genes Variant Database, the 1000 Genomes Project, the NHLBI GO Exome Sequencing Project or the Exome Aggregation Consortium (August 8th 2016). The p.Asp380alafsX6 variant is predicted to cause a frameshift, which alters the protein's amino acid sequence beginning at codon 380 and leads to a premature stop 6 codons downstream. This alteration is then predicted to result in a truncated or absent protein and loss of function. Loss of function variants of the MSH6 gene are an established mechanism of disease Lynch syndrome and this is the type of variant expected to cause the disorder. In summary, based on the above information this variant meets our laboratoryâ€šÃ„Ã´s criteria to be classified as pathogenic.

Literature cited by the submitters: PubMed 26517685 (cited by Women's Health and Genetics/Laboratory Corporation of America, LabCorp and Labcorp Genetics (formerly Invitae), Labcorp); PubMed 22495361 (cited by Labcorp Genetics (formerly Invitae), Labcorp); PubMed 18269114 (cited by Labcorp Genetics (formerly Invitae), Labcorp); PubMed 24362816 (cited by Labcorp Genetics (formerly Invitae), Labcorp).

NM_000179.3(MSH6):c.1139_1143del (p.Asp380fs)

Gene: MSH6 (mutS homolog 6; plus strand). Cytogenetic location: 2p16.3.
Variant type: Deletion.
Coding change: c.1139_1143del on transcript NM_000179.3 (MANE Select); coding-DNA positions 1139 to 1143, 5 bases deleted (ATGAG; older notation c.1139_1143delATGAG).
Protein change: p.Asp380fs; shifts the reading frame from aspartic acid 380.
Molecular consequence: frameshift variant.
Genome position (GRCh38, 1-based): chr2:47,799,122-47,799,126, ATGAG deleted; deleting any 5 consecutive bases within chr2:47,799,119-47,799,126 gives the same sequence; the c. name uses the placement nearest the transcript's 3' end. VCF-style (leftmost placement, unchanged base first): chr2-47799118-AGAGAT-A. GRCh37 (hg19) VCF-style: chr2-48026257-AGAGAT-A.
Other names: c.749_753del, p.Asp250fs (NM_001281492.2); c.233_237del, p.Asp78fs (NM_001281493.2, NM_001281494.2); c.1139_1143delATGAG (NM_000179.3, NM_000179.2); short protein forms D250fs, D78fs.
Identifiers: ClinVar variation 89175 (VCV000089175.21), dbSNP rs587779206, ClinGen allele CA008119.